The following is an entry in ClinVar:

NM_017491.5(WDR1):c.999C>T (p.Gly333=)

Gene: WDR1 (WD repeat domain 1; minus strand). Cytogenetic location: 4p16.1.
Variant type: single nucleotide variant.
Coding change: c.999C>T on transcript NM_017491.5 (MANE Select); coding-DNA position 999, C replaced by T.
Protein change: p.Gly333=; no amino-acid change (glycine 333 retained).
Molecular consequence: synonymous variant.
Genome position (GRCh38, 1-based): chr4:10,084,483, G>A on the plus strand (C>T on the coding strand, the complement: WDR1 is on the minus strand). VCF-style: chr4-10084483-G-A. GRCh37 (hg19) VCF-style: chr4-10086107-G-A.
Other names: c.579C>T, p.Gly193= (NM_005112.5).
Identifiers: ClinVar variation 2654667 (VCV002654667.24), dbSNP rs747765059, ClinGen allele CA2857823.

ClinVar aggregate classification (germline): Uncertain significance (1 of 4 stars; one submission).

Allele frequency attached by ClinVar (database versions not stated): gnomAD exomes below 0.00001; ExAC 0.00001.
gnomAD v4.1: 4 of 1,613,932 alleles (0.00025%); highest among the groups gnomAD compares: African/African-American, 0.0013%; no homozygotes.

Submission:

CeGaT Center for Human Genetics Tuebingen
Classification: Uncertain significance. Last evaluated: 2023-01-01. Review status: criteria provided, single submitter. Criteria: CeGaT Center For Human Genetics Tuebingen Variant Classification Criteria Version 2. Collection method: clinical testing. Allele origin: germline. Affected: yes. Observed: 1 variant allele.
Comment: WDR1: PM2, PP3